The following is an entry in ClinVar:

NM_001267550.2(TTN):c.60801_60802insTAAA (p.Lys20268Ter)

Genes: TTN (titin; minus strand), TTN-AS1 (TTN antisense RNA 1; plus strand). Cytogenetic location: 2q31.2.
Variant type: Insertion.
Coding change: c.60801_60802insTAAA on transcript NM_001267550.2 (MANE Select); coding-DNA positions 60801 to 60802, TAAA inserted.
Protein change: p.Lys20268Ter; replaces lysine 20268 with a stop codon.
Molecular consequence: nonsense.
Genome position: GRCh38 VCF-style: chr2-178590923-T-TTTTA. GRCh37 (hg19) VCF-style: chr2-179455650-T-TTTTA.
Other names: c.55878_55879insTAAA, p.Lys18627Ter (NM_001256850.1); c.33606_33607insTAAA, p.Lys11203Ter (NM_003319.4); c.53097_53098insTAAA, p.Lys17700Ter (NM_133378.4); c.33981_33982insTAAA, p.Lys11328Ter (NM_133432.3); c.34182_34183insTAAA, p.Lys11395Ter (NM_133437.4); short protein forms K11203*, K18627*, K17700*, K20268*, K11328*, K11395*.
Identifiers: ClinVar variation 2951182 (VCV002951182.3), dbSNP rs2469456336, ClinGen allele CA2740096091.

ClinVar aggregate classification (germline): Likely pathogenic (1 of 4 stars; one submission).

Conditions:
Dilated cardiomyopathy 1G (CMD1G). Identifiers: Orphanet 154, MedGen C1858763, MONDO:0011400, OMIM 604145.
Autosomal recessive limb-girdle muscular dystrophy type 2J (LGMDR10). Also called: Limb-girdle muscular dystrophy, type 2J; MUSCULAR DYSTROPHY, LIMB-GIRDLE, AUTOSOMAL RECESSIVE 10. Identifiers: Orphanet 140922, MedGen C1837342, MONDO:0012127, OMIM 608807.

Submission:

Labcorp Genetics (formerly Invitae), Labcorp
Classification: Likely pathogenic for Dilated cardiomyopathy 1G; Autosomal recessive limb-girdle muscular dystrophy type 2J. Last evaluated: 2023-08-22. Review status: criteria provided, single submitter. Criteria: Invitae Variant Classification Sherloc (09022015). Collection method: clinical testing. Allele origin: germline.
Comment: This variant has not been reported in the literature in individuals affected with TTN-related conditions. In summary, the currently available evidence indicates that the variant is pathogenic, but additional data are needed to prove that conclusively. Therefore, this variant has been classified as Likely Pathogenic. This variant is located in the A band of TTN (PMID: 25589632). Truncating variants in this region are significantly overrepresented in patients affected with dilated cardiomyopathy (PMID: 25589632). Truncating variants in this region have also been reported in individuals affected with autosomal recessive centronuclear myopathy (PMID: 23975875). This variant is not present in population databases (gnomAD no frequency). This sequence change creates a premature translational stop signal (p.Lys20268*) in the TTN gene. While this is not anticipated to result in nonsense mediated decay, it is expected to create a truncated TTN protein.

Literature cited by the submitters: PubMed 25589632; PubMed 23975875.